The following is an entry in ClinVar:

ClinVar aggregate classification (germline): Likely benign. Review status: reviewed by expert panel (3 of 4 stars). 3 submissions from 3 submitters: Likely benign (1). 2 of the submissions do not count toward it. Last evaluated 2024-04-22.

Conditions:
RPE65-related recessive retinopathy. Also called: Recessive RPE65 retinopathy. Identifiers: MedGen CN305526, MONDO:0100368.
Leber congenital amaurosis 2 (LCA2). Also called: Autosomal Recessive RPE65-Related Retinal Degeneration; AMAUROSIS CONGENITA OF LEBER II. Identifiers: Orphanet 65, MedGen C1859844, MONDO:0008765, OMIM 204100. Disease mechanism: loss of function.
Retinitis pigmentosa 20 (RP20). Identifiers: Orphanet 791, MedGen C3151086, MONDO:0013425, OMIM 613794.

Allele frequency attached by ClinVar (database versions not stated): gnomAD exomes 0.00025 and 0.00032; TOPMed 0.00045; 1000 Genomes Project 30x 0.00078; gnomAD 0.00039; ExAC 0.00043.

Submissions (3):

ClinGen Leber Congenital Amaurosis/early Onset Retinal Dystrophy Variant Curation Expert Panel, ClinGen
Classification: Likely benign for RPE65-related recessive retinopathy. Last evaluated: 2024-04-22. Review status: reviewed by expert panel. Criteria: ClinGen LCAeoRD ACMG Specifications RPE65 V1.0.0. Collection method: curation. Allele origin: germline. Inheritance: Autosomal recessive inheritance.
Comment: The c.644-42del variant in RPE65, is an intronic variant which is present outside of consensus splice sites. The splicing impact predictor SpliceAI gives a delta score of 0.09, which is below the ClinGen LCA / eoRD VCEP recommended threshold of <0.1 and does not predict an impact on splicing (BP4, BP7). In addition, the PhyloP score was -2.63 which is below the ClinGen LCA / eoRD VCEP recommended threshold of <0.1, which depicts that the nucleotide is not highly conserved. This intronic variant is present in gnomAD v.2.1.1 at a GrpMax allele frequency of 0.000827, with 26/24712 in the African/ African-American population, which is higher than the ClinGen LCA / eoRD VCEP BS1 threshold of >0.0008 (BS1). In summary this variant meets criteria to be classified as Likely Benign for Leber congenital amaurosis (RPE65) based on the ACMG/AMP criteria (codes met: BP4, BP7, BS1). (VCEP specifications version 1.0.0; date of approval 09/21/2023).

Counsyl
Classification: Likely benign for Leber congenital amaurosis 2; Retinitis pigmentosa 20. Last evaluated: 2017-11-20. Review status: no assertion criteria provided. Collection method: clinical testing. Allele origin: unknown. Not counted in ClinVar's aggregate classification.

Retina International
No classification provided. Review status: no classification provided. Collection method: not provided. Allele origin: not provided. Not counted in ClinVar's aggregate classification.

Literature cited by the submitters: PubMed 11295838 (cited by Counsyl).

NM_000329.3(RPE65):c.644-42del

Gene: RPE65 (retinoid isomerohydrolase RPE65; minus strand). Cytogenetic location: 1p31.3.
Variant type: Deletion.
Coding change: c.644-42del on transcript NM_000329.3 (MANE Select); 42 bases into the intron before coding-DNA position 644, one base deleted (T; older notation c.644-42delT).
Molecular consequence: intron variant.
Genome position (GRCh38, 1-based): chr1:68,439,684, A deleted on the plus strand (T on the coding strand, the reverse complement: RPE65 is on the minus strand). VCF-style (leftmost placement, unchanged base first): chr1-68439683-TA-T. GRCh37 (hg19) VCF-style: chr1-68905366-TA-T.
Identifiers: ClinVar variation 98885 (VCV000098885.3), dbSNP rs61752893, ClinGen allele CA226572.